The following is an entry in ClinVar:

NM_015102.5(NPHP4):c.2405T>C (p.Met802Thr)

Gene: NPHP4 (nephrocystin 4; minus strand). Cytogenetic location: 1p36.31.
Variant type: single nucleotide variant.
Coding change: c.2405T>C on transcript NM_015102.5 (MANE Select); coding-DNA position 2405, T replaced by C.
Protein change: p.Met802Thr; replaces methionine 802 with threonine.
Molecular consequence: missense variant. On other transcripts: non-coding transcript variant (1).
Genome position (GRCh38, 1-based): chr1:5,887,366, A>G on the plus strand (T>C on the coding strand, the complement: NPHP4 is on the minus strand). VCF-style: chr1-5887366-A-G. GRCh37 (hg19) VCF-style: chr1-5947426-A-G.
Other names: c.866T>C, p.Met289Thr (NM_001291593.2); c.869T>C, p.Met290Thr (NM_001291594.2); short protein forms M289T, M290T, M802T.
Identifiers: ClinVar variation 1717391 (VCV001717391.5), dbSNP rs2523565357, ClinGen allele CA338058672.

ClinVar aggregate classification (germline): Uncertain significance (1 of 4 stars; one submission).

Conditions:
Nephronophthisis. Also called: Juvenile Nephronophthisis. Identifiers: Orphanet 655, MedGen C0687120, MONDO:0019005, HP:0000090.

Submission:

Labcorp Genetics (formerly Invitae), Labcorp
Classification: Uncertain significance for Nephronophthisis. Last evaluated: 2022-08-21. Review status: criteria provided, single submitter. Criteria: Invitae Variant Classification Sherloc (09022015). Collection method: clinical testing. Allele origin: germline.
Comment: This sequence change replaces methionine, which is neutral and non-polar, with threonine, which is neutral and polar, at codon 802 of the NPHP4 protein (p.Met802Thr). In summary, the available evidence is currently insufficient to determine the role of this variant in disease. Therefore, it has been classified as a Variant of Uncertain Significance. Algorithms developed to predict the effect of missense changes on protein structure and function (SIFT, PolyPhen-2, Align-GVGD) all suggest that this variant is likely to be tolerated. This variant has not been reported in the literature in individuals affected with NPHP4-related conditions. This variant is not present in population databases (gnomAD no frequency).